The following is an entry in ClinVar:

ClinVar aggregate classification (germline): Uncertain significance (1 of 4 stars; one submission).

Conditions:
Vitamin D-dependent rickets, type 3. Identifiers: MedGen C5436733, MONDO:0033640, OMIM 619073.

gnomAD v4.1: 74 of 1,613,944 alleles (0.0046%); highest among the groups gnomAD compares: Non-Finnish European, 0.0024%; no homozygotes.

Submission:

Institute of Human Genetics, University of Goettingen
Classification: Uncertain significance for Vitamin D-dependent rickets, type 3. Last evaluated: 2026-01-12. Review status: criteria provided, single submitter. Criteria: ACMG Guidelines, 2015. Collection method: clinical testing. Allele origin: unknown. Inheritance: Autosomal dominant inheritance. Affected: yes. Observed: 1 heterozygote.
Comment: The NM_017460.6(CYP3A4):​c.565T>C​(p.Phe189Leu) variant causes a missense change. The variant allele was found at a frequency of 0.0000459 in 1,613,944 control chromosomes in the GnomAD database, with no homozygous occurrence [PM2_SUP]. In silico analysis (REVEL) supports that this missense variant has a deleterious effect on protein structure/function.

NM_017460.6(CYP3A4):c.565T>C (p.Phe189Leu)

Gene: CYP3A4 (cytochrome P450 family 3 subfamily A member 4; minus strand). Cytogenetic location: 7q22.1.
Variant type: single nucleotide variant.
Coding change: c.565T>C on transcript NM_017460.6 (MANE Select); coding-DNA position 565, T replaced by C.
Protein change: p.Phe189Leu; replaces phenylalanine 189 with leucine.
Molecular consequence: missense variant.
Genome position (GRCh38, 1-based): chr7:99,768,459, A>G on the plus strand (T>C on the coding strand, the complement: CYP3A4 is on the minus strand). VCF-style: chr7-99768459-A-G. GRCh37 (hg19) VCF-style: chr7-99366082-A-G.
Other names: c.565T>C, p.Phe189Leu (NM_001202855.3); short protein forms F189L.
Identifiers: ClinVar variation 4686561 (VCV004686561.1).